The following is an entry in ClinVar:

ClinVar aggregate classification (germline): Uncertain significance (1 of 4 stars; one submission).

Conditions:
Deficiency of acetyl-CoA acetyltransferase. Also called: Beta-ketothiolase deficiency; MITOCHONDRIAL ACETOACETYL-CoA THIOLASE DEFICIENCY; 3-KETOTHIOLASE DEFICIENCY; 3-OXOTHIOLASE DEFICIENCY. Identifiers: Orphanet 134, MedGen C1536500, MONDO:0008760, OMIM 203750. Disease mechanism: loss of function.

Submission:

Labcorp Genetics (formerly Invitae), Labcorp
Classification: Uncertain significance for Deficiency of acetyl-CoA acetyltransferase. Last evaluated: 2022-03-14. Review status: criteria provided, single submitter. Criteria: Invitae Variant Classification Sherloc (09022015). Collection method: clinical testing. Allele origin: germline.
Comment: This sequence change replaces valine, which is neutral and non-polar, with leucine, which is neutral and non-polar, at codon 45 of the ACAT1 protein (p.Val45Leu). This variant is not present in population databases (gnomAD no frequency). This variant has not been reported in the literature in individuals affected with ACAT1-related conditions. Advanced modeling of protein sequence and biophysical properties (such as structural, functional, and spatial information, amino acid conservation, physicochemical variation, residue mobility, and thermodynamic stability) performed at Invitae indicates that this missense variant is not expected to disrupt ACAT1 protein function. In summary, the available evidence is currently insufficient to determine the role of this variant in disease. Therefore, it has been classified as a Variant of Uncertain Significance.

NM_000019.4(ACAT1):c.133G>C (p.Val45Leu)

Gene: ACAT1 (acetyl-CoA acetyltransferase 1; plus strand). Cytogenetic location: 11q22.3.
Variant type: single nucleotide variant.
Coding change: c.133G>C on transcript NM_000019.4 (MANE Select); coding-DNA position 133, G replaced by C.
Protein change: p.Val45Leu; replaces valine 45 with leucine.
Molecular consequence: missense variant. On other transcripts: 5 prime UTR variant (10), non-coding transcript variant (2), intron variant (1).
Genome position (GRCh38, 1-based): chr11:108,133,832, G>C. VCF-style: chr11-108133832-G-C. GRCh37 (hg19) VCF-style: chr11-108004559-G-C.
Other names: c.133G>C, p.Val45Leu (NM_001386677.1); c.-145G>C (NM_001386679.1); c.-138G>C (NM_001386681.1, NM_001386682.1, NM_001386685.1 and 6 more transcripts); c.120+1878G>C (NM_001386678.1); short protein forms V45L.
Identifiers: ClinVar variation 2064903 (VCV002064903.1), dbSNP rs2077408592, ClinGen allele CA382506228.